The following is an entry in ClinVar:

ClinVar aggregate classification (germline): Benign/Likely benign. Review status: criteria provided, multiple submitters, no conflicts (2 of 4 stars). 2 submissions from 2 submitters: Benign (1); Likely benign (1). Last evaluated 2025-01-31.

Conditions:
Lynch syndrome 4 (LYNCH4). Also called: Colorectal cancer, hereditary nonpolyposis, type 4; Hereditary non-polyposis colorectal cancer, type 4. Identifiers: Orphanet 144, MedGen C1838333, MONDO:0013699, OMIM 614337. Disease mechanism: loss of function.
Hereditary cancer-predisposing syndrome. Also called: Neoplastic Syndromes, Hereditary; Tumor predisposition; Hereditary neoplastic syndrome; Hereditary Cancer Syndrome. Identifiers: Orphanet 140162, MedGen C0027672, MeSH D009386, MONDO:0015356.

Submissions (2):

Myriad Genetics, Inc.
Classification: Benign for Lynch syndrome 4. Last evaluated: 2025-01-31. Review status: criteria provided, single submitter. Criteria: Myriad Autosomal Dominant, Autosomal Recessive and X-Linked Classification Criteria (2023). Collection method: clinical testing. Allele origin: unknown.
Comment: This variant is considered benign. This variant is a silent/synonymous amino acid change and it is not expected to impact splicing.

Ambry Genetics
Classification: Likely benign for Hereditary cancer-predisposing syndrome. Last evaluated: 2022-12-03. Review status: criteria provided, single submitter. Criteria: Ambry Variant Classification Scheme 2023. Collection method: clinical testing. Allele origin: germline.

NM_000535.7(PMS2):c.1713C>G (p.Leu571=)

Gene: PMS2 (PMS1 homolog 2, mismatch repair system component; minus strand). Cytogenetic location: 7p22.1.
Variant type: single nucleotide variant.
Coding change: c.1713C>G on transcript NM_000535.7 (MANE Select); coding-DNA position 1713, C replaced by G.
Protein change: p.Leu571=; no amino-acid change (leucine 571 retained).
Molecular consequence: synonymous variant. On other transcripts: non-coding transcript variant (1), intron variant (1).
Genome position (GRCh38, 1-based): chr7:5,987,052, G>C on the plus strand (C>G on the coding strand, the complement: PMS2 is on the minus strand). VCF-style: chr7-5987052-G-C. GRCh37 (hg19) VCF-style: chr7-6026683-G-C.
Other names: c.1308C>G, p.Leu436= (NM_001018040.1, NM_001322003.2, NM_001322004.2 and 17 more transcripts); c.1557C>G, p.Leu519= (NM_001322006.2, NM_001406870.1); c.1395C>G, p.Leu465= (NM_001322007.2, NM_001322008.2, NM_001406876.1 and 2 more transcripts); c.1152C>G, p.Leu384= (NM_001322010.2, NM_001406906.1, NM_001406907.1); c.780C>G, p.Leu260= (NM_001322011.2, NM_001322012.2); c.1140C>G, p.Leu380= (NM_001322013.2, NM_001406909.1); c.1713C>G, p.Leu571= (NM_001322014.2, NM_001406871.1, NM_001406872.1); c.1404C>G, p.Leu468= (NM_001322015.2, NM_001406875.1, NM_001406877.1 and 5 more transcripts); and 13 more.
Identifiers: ClinVar variation 2451594 (VCV002451594.3), dbSNP rs745774944, ClinGen allele CA453746241.
Genomic context (GRCh38, chr7:5,987,052, plus strand): 5'-ACAAATGTCAGAACTGGAAAGAATTTCTTCTTTTTTAAAACGCTTTGTGTTTGGGGTTGC[G>C]AGATTAGTTGGCTGAGGCAAAACTCGAAATTTACATCCGGTATCTTCCTGGTTTGAATGG-3'
Protein context (NP_000526.2, residues 561-581): KFRVLPQPTN[Leu571=]ATPNTKRFKK